The following is an entry in ClinVar:

ClinVar aggregate classification (germline): Likely benign. Review status: criteria provided, multiple submitters, no conflicts (2 of 4 stars). 2 submissions from 2 submitters: Likely benign (2). Last evaluated 2026-01-14.

Conditions:
NPC1-related disorder. Also called: NPC1-related condition.
Niemann-Pick disease, type C1. Also called: NIEMANN-PICK DISEASE, VARIANT TYPE C1; NEUROVISCERAL STORAGE DISEASE WITH VERTICAL SUPRANUCLEAR OPHTHALMOPLEGIA; NIEMANN-PICK DISEASE WITH CHOLESTEROL ESTERIFICATION BLOCK; NIEMANN-PICK DISEASE WITHOUT SPHINGOMYELINASE DEFICIENCY; NIEMANN-PICK DISEASE, CHRONIC NEURONOPATHIC FORM. Identifiers: Orphanet 646, MedGen C3179455, MONDO:0009757, OMIM 257220.

gnomAD v4.1: 14 of 1,613,998 alleles (0.00087%); highest among the groups gnomAD compares: Middle Eastern, 0.016%; no homozygotes.

Submissions (2):

Labcorp Genetics (formerly Invitae), Labcorp
Classification: Likely benign for Niemann-Pick disease, type C1. Last evaluated: 2026-01-14. Review status: criteria provided, single submitter. Criteria: Invitae Variant Classification Sherloc (09022015). Collection method: clinical testing. Allele origin: germline.

PreventionGenetics, part of Exact Sciences
Classification: Likely benign for NPC1-related condition. Last evaluated: 2025-06-26. Review status: criteria provided, single submitter. Criteria: ACMG Guidelines, 2015. Collection method: clinical testing. Allele origin: germline.
Comment: This variant is classified as likely benign based on ACMG/AMP sequence variant interpretation guidelines (Richards et al. 2015 PMID: 25741868, with internal and published modifications).

NM_000271.5(NPC1):c.1089G>A (p.Ala363=)

Gene: NPC1 (NPC intracellular cholesterol transporter 1; minus strand). Cytogenetic location: 18q11.2.
Variant type: single nucleotide variant.
Coding change: c.1089G>A on transcript NM_000271.5 (MANE Select); coding-DNA position 1089, G replaced by A.
Protein change: p.Ala363=; no amino-acid change (alanine 363 retained).
Molecular consequence: synonymous variant.
Genome position (GRCh38, 1-based): chr18:23,556,480, C>T on the plus strand (G>A on the coding strand, the complement: NPC1 is on the minus strand). VCF-style: chr18-23556480-C-T. GRCh37 (hg19) VCF-style: chr18-21136444-C-T.
Other names: c.1089G>A (NM_000271.4).
Identifiers: ClinVar variation 1127715 (VCV001127715.11), dbSNP rs901122746, ClinGen allele CA297069604.
Genomic context (GRCh38, chr18:23,556,480, plus strand): 5'-GGCTGACCAGAGGTCAACTGGATTGGTTGTGACCCGGACAAACACCAGGCCTGACGAACA[C>T]GCAGTAATGAAGACCAGCGAGAAGAAAATGACACAGCCAGGGTTTCGGACGCAGAAAGAC-3'
Protein context (NP_000262.2, residues 353-373): VIFFSLVFIT[Ala363=]CSSGLVFVRV